The following is an entry in ClinVar:

ClinVar aggregate classification (germline): Likely benign (1 of 4 stars; one submission).

Conditions:
Primary immunodeficiency with natural-killer cell deficiency and adrenal insufficiency (IMD54). Also called: Natural killer cell and glucocorticoid deficiency with DNA repair defect; IMMUNODEFICIENCY 54. Identifiers: Orphanet 75391, MedGen C1864947, MONDO:0012383, OMIM 609981.

Allele frequency attached by ClinVar (database versions not stated): 1000 Genomes Project 0.00120; 1000 Genomes Project 30x 0.00172; TOPMed 0.00204; gnomAD 0.00207 and 0.00211.
gnomAD v4.1: 1,383 of 588,906 alleles (0.23%); highest among the groups gnomAD compares: Admixed American, 0.4%; 2 homozygotes.

Submission:

Illumina Laboratory Services, Illumina
Classification: Likely benign for Primary immunodeficiency with natural-killer cell deficiency and adrenal insufficiency. Last evaluated: 2018-01-13. Review status: criteria provided, single submitter. Criteria: ICSL Variant Classification Criteria 13 December 2019. Collection method: clinical testing. Allele origin: germline.
Comment: This variant was observed in the ICSL laboratory as part of a predisposition screen in an ostensibly healthy population. It had not been previously curated by ICSL or reported in the Human Gene Mutation Database (HGMD: prior to June 1st, 2018), and was therefore a candidate for classification through an automated scoring system. Utilizing variant allele frequency, disease prevalence and penetrance estimates, and inheritance mode, an automated score was calculated to assess if this variant is too frequent to cause the disease. Based on the score and internal cut-off values, a variant classified as likely benign is not then subjected to further curation. The score for this variant resulted in a classification of likely benign for this disease.

NM_182746.3(MCM4):c.-65A>T

Gene: MCM4 (minichromosome maintenance complex component 4; plus strand). Cytogenetic location: 8q11.21.
Variant type: single nucleotide variant.
Coding change: c.-65A>T on transcript NM_182746.3 (MANE Select); 65 bases upstream of the start codon, A replaced by T.
Molecular consequence: 5 prime UTR variant.
Genome position (GRCh38, 1-based): chr8:47,960,964, A>T. VCF-style: chr8-47960964-A-T. GRCh37 (hg19) VCF-style: chr8-48873524-A-T.
Other names: c.-65A>T (LRG_1239t1); c.-181A>T (NM_005914.4).
Identifiers: ClinVar variation 363208 (VCV000363208.5), dbSNP rs552020479, ClinGen allele CA10631232.